The following is an entry in ClinVar:

ClinVar aggregate classification (germline): Pathogenic/Likely pathogenic. Review status: criteria provided, multiple submitters, no conflicts (2 of 4 stars). 3 submissions from 3 submitters: Pathogenic (1); Likely pathogenic (2). Last evaluated 2025-05-27.

Conditions:
RECQL4-related disorder. Also called: RECQL4-related condition; RECQL4-related disorders.
Baller-Gerold syndrome (BGS). Also called: CRANIOSYNOSTOSIS WITH RADIAL DEFECTS. Identifiers: Orphanet 1225, MedGen C0265308, MONDO:0009039, OMIM 218600.
Hereditary cancer-predisposing syndrome. Also called: Hereditary neoplastic syndrome; Neoplastic Syndromes, Hereditary; Hereditary Cancer Syndrome; Tumor predisposition. Identifiers: Orphanet 140162, MedGen C0027672, MeSH D009386, MONDO:0015356.

Allele frequency attached by ClinVar (database versions not stated): ExAC 0.00001; gnomAD 0.00001; gnomAD exomes 0.00001; TOPMed 0.00002; ESP Exome Variant Server 0.00008.

Submissions (3):

Labcorp Genetics (formerly Invitae), Labcorp
Classification: Pathogenic for Baller-Gerold syndrome. Last evaluated: 2025-05-27. Review status: criteria provided, single submitter. Criteria: Invitae Variant Classification Sherloc (09022015). Collection method: clinical testing. Allele origin: germline.
Comment: This sequence change creates a premature translational stop signal (p.Gln957*) in the RECQL4 gene. It is expected to result in an absent or disrupted protein product. Loss-of-function variants in RECQL4 are known to be pathogenic (PMID: 12734318, 12952869). This variant is present in population databases (rs368081792, gnomAD 0.007%). This variant has not been reported in the literature in individuals affected with RECQL4-related conditions. ClinVar contains an entry for this variant (Variation ID: 566972). For these reasons, this variant has been classified as Pathogenic.

Blueprint Genetics
Classification: Likely pathogenic for RECQL4-related disorders. Last evaluated: 2023-11-17. Review status: criteria provided, single submitter. Criteria: ACMG Guidelines, 2015. Collection method: clinical testing. Allele origin: germline. Affected: yes. Observed: 2 variant alleles.

Sema4
Classification: Likely pathogenic for Hereditary cancer-predisposing syndrome. Last evaluated: 2021-06-16. Review status: criteria provided, single submitter. Criteria: Sema4 Curation Guidelines. Collection method: curation. Allele origin: germline.
Comment: The RECQL4 c.2869C>T (p.Q957X) variant has not been reported in the literature to our knowledge. This nonsense variant creates a premature stop codon at residue 957 of the RECQL4 protein. At this location, this is predicted to cause nonsense-mediated decay and result in an absent protein (loss of function). It was observed in 1/15266 chromosomes in the African/African American subpopulation in the large and broad cohorts of the Genome Aggregation Database (PMID: 32461654). This variant has been reported in ClinVar (Variation ID: 566972). Based on the current evidence available, this variant is interpreted as likely pathogenic.

Literature cited by the submitters: PubMed 12734318 (cited by Labcorp Genetics (formerly Invitae), Labcorp); PubMed 12952869 (cited by Labcorp Genetics (formerly Invitae), Labcorp).

NM_004260.4(RECQL4):c.2869C>T (p.Gln957Ter)

Gene: RECQL4 (RecQ like helicase 4; minus strand). Cytogenetic location: 8q24.3.
Variant type: single nucleotide variant.
Coding change: c.2869C>T on transcript NM_004260.4 (MANE Select); coding-DNA position 2869, C replaced by T.
Protein change: p.Gln957Ter; replaces glutamine 957 with a stop codon.
Molecular consequence: nonsense.
Genome position (GRCh38, 1-based): chr8:144,512,658, G>A on the plus strand (C>T on the coding strand, the complement: RECQL4 is on the minus strand). VCF-style: chr8-144512658-G-A. GRCh37 (hg19) VCF-style: chr8-145738041-G-A.
Other names: short protein forms Q957*.
Identifiers: ClinVar variation 566972 (VCV000566972.9), dbSNP rs368081792, ClinGen allele CA4948048.